The following is an entry in ClinVar:

NM_000702.4(ATP1A2):c.758G>A (p.Arg253Lys)

Gene: ATP1A2 (ATPase Na+/K+ transporting subunit alpha 2; plus strand). Cytogenetic location: 1q23.2.
Variant type: single nucleotide variant.
Coding change: c.758G>A on transcript NM_000702.4 (MANE Select); coding-DNA position 758, G replaced by A.
Protein change: p.Arg253Lys; replaces arginine 253 with lysine.
Molecular consequence: missense variant.
Genome position (GRCh38, 1-based): chr1:160,127,561, G>A. VCF-style: chr1-160127561-G-A. GRCh37 (hg19) VCF-style: chr1-160097351-G-A.
Other names: short protein forms R253K.
Identifiers: ClinVar variation 1411559 (VCV001411559.6), dbSNP rs1429465691, ClinGen allele CA343236954.

ClinVar aggregate classification (germline): Uncertain significance (1 of 4 stars; one submission).

Conditions:
Familial hemiplegic migraine. Identifiers: MedGen C0338484, MONDO:0000700.

Allele frequency attached by ClinVar (database versions not stated): gnomAD 0.00001.

Submission:

Labcorp Genetics (formerly Invitae), Labcorp
Classification: Uncertain significance for Familial hemiplegic migraine. Last evaluated: 2025-07-31. Review status: criteria provided, single submitter. Criteria: Invitae Variant Classification Sherloc (09022015). Collection method: clinical testing. Allele origin: germline.
Comment: This sequence change replaces arginine, which is basic and polar, with lysine, which is basic and polar, at codon 253 of the ATP1A2 protein (p.Arg253Lys). This variant is present in population databases (no rsID available, gnomAD 0.007%). This variant has not been reported in the literature in individuals affected with ATP1A2-related conditions. ClinVar contains an entry for this variant (Variation ID: 1411559). Invitae Evidence Modeling of protein sequence and biophysical properties (such as structural, functional, and spatial information, amino acid conservation, physicochemical variation, residue mobility, and thermodynamic stability) indicates that this missense variant is not expected to disrupt ATP1A2 protein function with a negative predictive value of 80%. In summary, the available evidence is currently insufficient to determine the role of this variant in disease. Therefore, it has been classified as a Variant of Uncertain Significance.